The following is an entry in ClinVar:

ClinVar aggregate classification (germline): Uncertain significance (1 of 4 stars; one submission).

Conditions:
Primary familial hypertrophic cardiomyopathy (HCM). Identifiers: Orphanet 99739, MedGen C0949658, MeSH D024741, MONDO:0024573. Inheritance: Various modes of inheritance.
Dilated cardiomyopathy 1AA (CMD1AA). Also called: CARDIOMYOPATHY, DILATED, 1AA, WITH OR WITHOUT LEFT VENTRICULAR NONCOMPACTION; CARDIOMYOPATHY, FAMILIAL HYPERTROPHIC, 23, WITH OR WITHOUT LEFT VENTRICULAR NONCOMPACTION; Cardiomyopathy, dilated, 1AA, with or without LVNC. Identifiers: Orphanet 154, MedGen C2677338, MONDO:0012808, OMIM 612158.

Submission:

Labcorp Genetics (formerly Invitae), Labcorp
Classification: Uncertain significance for Primary familial hypertrophic cardiomyopathy; Dilated cardiomyopathy 1AA. Last evaluated: 2024-04-30. Review status: criteria provided, single submitter. Criteria: Invitae Variant Classification Sherloc (09022015). Collection method: clinical testing. Allele origin: germline.
Comment: This sequence change replaces alanine, which is neutral and non-polar, with valine, which is neutral and non-polar, at codon 760 of the ACTN2 protein (p.Ala760Val). This variant is not present in population databases (gnomAD no frequency). This variant has not been reported in the literature in individuals affected with ACTN2-related conditions. ClinVar contains an entry for this variant (Variation ID: 651118). Advanced modeling of protein sequence and biophysical properties (such as structural, functional, and spatial information, amino acid conservation, physicochemical variation, residue mobility, and thermodynamic stability) performed at Invitae indicates that this missense variant is not expected to disrupt ACTN2 protein function with a negative predictive value of 95%. In summary, the available evidence is currently insufficient to determine the role of this variant in disease. Therefore, it has been classified as a Variant of Uncertain Significance.

NM_001103.4(ACTN2):c.2279C>T (p.Ala760Val)

Gene: ACTN2 (actinin alpha 2; plus strand). Cytogenetic location: 1q43.
Variant type: single nucleotide variant.
Coding change: c.2279C>T on transcript NM_001103.4 (MANE Select); coding-DNA position 2279, C replaced by T.
Protein change: p.Ala760Val; replaces alanine 760 with valine.
Molecular consequence: missense variant.
Genome position (GRCh38, 1-based): chr1:236,757,610, C>T. VCF-style: chr1-236757610-C-T. GRCh37 (hg19) VCF-style: chr1-236920910-C-T.
Other names: c.2279C>T, p.Ala760Val (NM_001278343.2); c.1655C>T, p.Ala552Val (NM_001278344.2); short protein forms A552V, A760V.
Identifiers: ClinVar variation 651118 (VCV000651118.9), dbSNP rs1572149075, ClinGen allele CA345389232.